The following is an entry in ClinVar:

ClinVar aggregate classification (germline): Uncertain significance (1 of 4 stars; one submission).

Submission:

GeneDx
Classification: Uncertain significance. Last evaluated: 2024-08-23. Review status: criteria provided, single submitter. Criteria: GeneDx Variant Classification Process June 2021. Collection method: clinical testing. Allele origin: germline. Affected: yes.
Comment: Not observed at significant frequency in large population cohorts (gnomAD); In silico analysis supports that this missense variant has a deleterious effect on protein structure/function; Has not been previously published as pathogenic or benign to our knowledge

NM_006922.4(SCN3A):c.2042T>A (p.Val681Asp)

Gene: SCN3A (sodium voltage-gated channel alpha subunit 3; minus strand). Cytogenetic location: 2q24.3.
Variant type: single nucleotide variant.
Coding change: c.2042T>A on transcript NM_006922.4 (MANE Select); coding-DNA position 2042, T replaced by A.
Protein change: p.Val681Asp; replaces valine 681 with aspartic acid.
Molecular consequence: missense variant.
Genome position (GRCh38, 1-based): chr2:165,139,586, A>T on the plus strand (T>A on the coding strand, the complement: SCN3A is on the minus strand). VCF-style: chr2-165139586-A-T. GRCh37 (hg19) VCF-style: chr2-165996096-A-T.
Other names: c.1895T>A, p.Val632Asp (NM_001081676.2, NM_001081677.2); short protein forms V632D, V681D.
Identifiers: ClinVar variation 3764146 (VCV003764146.1).
Genomic context (GRCh38, chr2:165,139,586, plus strand): 5'-CCAGAGGAATCCTCCAGCATCTCCATTGAAATCTGGTAAGAGCTTAACCTTCTCTTTCTG[A>T]CTTCCGTTTCTGTGGTGGTGCCCTGCAAACCAAATACTGATGGCTCAAACCACTCTTCCC-3'
Protein context (NP_008853.3, residues 671-691): PPEGTTTETE[Val681Asp]RKRRLSSYQI